The following is an entry in ClinVar:

NM_001110556.2(FLNA):c.2065G>A (p.Val689Ile)

Gene: FLNA (filamin A; minus strand). Cytogenetic location: Xq28.
Variant type: single nucleotide variant.
Coding change: c.2065G>A on transcript NM_001110556.2 (MANE Select); coding-DNA position 2065, G replaced by A.
Protein change: p.Val689Ile; replaces valine 689 with isoleucine.
Molecular consequence: missense variant.
Genome position (GRCh38, 1-based): chrX:154,364,330, C>T on the plus strand (G>A on the coding strand, the complement: FLNA is on the minus strand). VCF-style: chrX-154364330-C-T. GRCh37 (hg19) VCF-style: chrX-153592698-C-T.
Other names: c.2065G>A, p.Val689Ile (NM_001456.4); c.2065G>A (NM_001456.3); short protein forms V689I.
Identifiers: ClinVar variation 1513131 (VCV001513131.16), dbSNP rs782116160, ClinGen allele CA10561018.

ClinVar aggregate classification (germline): Conflicting classifications of pathogenicity. Review status: criteria provided, conflicting classifications (1 of 4 stars). 4 submissions from 4 submitters: Uncertain significance (1); Benign (1); Likely benign (2). Last evaluated 2026-05-24.

Conditions:
Familial thoracic aortic aneurysm and aortic dissection (TAAD). Also called: Thoracic aortic aneurysms and dissections. Identifiers: Orphanet 91387, MedGen C4707243, MONDO:0019625.
Heterotopia, periventricular, X-linked dominant (PVNH1). Also called: PERIVENTRICULAR NODULAR HETEROTOPIA 4; HETEROTOPIA, PERIVENTRICULAR, 1; PERIVENTRICULAR NODULAR HETEROTOPIA 1; X-linked periventricular heterotopia. Identifiers: Orphanet 2149, Orphanet 82004, MedGen C1848213, MONDO:0010233, OMIM 300049.
Frontometaphyseal dysplasia (FMD1). Identifiers: Orphanet 1826, MedGen C0265293, MONDO:0015942.
Melnick-Needles syndrome (MNS). Also called: Melnick-Needles Syndrome (FLNA-MNS); MELNICK-NEEDLES OSTEODYSPLASTY; OSTEODYSPLASTY OF MELNICK AND NEEDLES. Identifiers: Orphanet 2484, MedGen C0025237, MONDO:0010650, OMIM 309350.
Oto-palato-digital syndrome, type II (OPD2). Also called: Otopalatodigital Syndrome Type 2 (FLNA-OPD2); Otopalatodigital Syndrome, Type II; FACIOPALATOOSSEOUS SYNDROME; OPD II SYNDROME. Identifiers: Orphanet 669, Orphanet 90652, MedGen C1844696, MONDO:0010571, OMIM 304120.

Allele frequency attached by ClinVar (database versions not stated): gnomAD exomes 0.00001 and 0.00006; TOPMed 0.00001; gnomAD 0.00002; ExAC 0.00009.
gnomAD v4.1: 17 of 1,209,226 alleles (0.0014%); highest among the groups gnomAD compares: East Asian, 0.015%; no homozygotes.

Submissions (4):

Ambry Genetics
Classification: Uncertain significance for Familial thoracic aortic aneurysm and aortic dissection. Last evaluated: 2026-05-24. Review status: criteria provided, single submitter. Criteria: Ambry Variant Classification Scheme 2023. Collection method: clinical testing. Allele origin: germline.
Comment: The p.V689I variant (also known as c.2065G>A), located in coding exon 13 of the FLNA gene, results from a G to A substitution at nucleotide position 2065. The valine at codon 689 is replaced by isoleucine, an amino acid with highly similar properties. This amino acid position is conserved. In addition, this alteration is predicted to be tolerated by in silico analysis. Based on the available evidence, the clinical significance of this variant remains unclear.

CeGaT Center for Human Genetics Tuebingen
Classification: Likely benign. Last evaluated: 2025-07-01. Review status: criteria provided, single submitter. Criteria: CeGaT Center For Human Genetics Tuebingen Variant Classification Criteria Version 2. Collection method: clinical testing. Allele origin: germline. Affected: yes. Observed: 1 variant allele.
Comment: FLNA: BP4, BS2

Labcorp Genetics (formerly Invitae), Labcorp
Classification: Benign for Oto-palato-digital syndrome, type II; Heterotopia, periventricular, X-linked dominant; Frontometaphyseal dysplasia; Melnick-Needles syndrome. Last evaluated: 2025-06-08. Review status: criteria provided, single submitter. Criteria: Invitae Variant Classification Sherloc (09022015). Collection method: clinical testing. Allele origin: germline.

Blueprint Genetics
Classification: Likely benign. Last evaluated: 2024-03-18. Review status: criteria provided, single submitter. Criteria: ACMG Guidelines, 2015. Collection method: clinical testing. Allele origin: germline.